The following is an entry in ClinVar:

NM_014000.3(VCL):c.747A>G (p.Gln249=)

Gene: VCL (vinculin; plus strand). Cytogenetic location: 10q22.2.
Variant type: single nucleotide variant.
Coding change: c.747A>G on transcript NM_014000.3 (MANE Select); coding-DNA position 747, A replaced by G.
Protein change: p.Gln249=; no amino-acid change (glutamine 249 retained).
Molecular consequence: synonymous variant.
Genome position (GRCh38, 1-based): chr10:74,074,867, A>G. VCF-style: chr10-74074867-A-G. GRCh37 (hg19) VCF-style: chr10-75834625-A-G.
Other names: c.747A>G, p.Gln249= (NM_003373.4).
Identifiers: ClinVar variation 3016182 (VCV003016182.3), dbSNP rs2549214864, ClinGen allele CA470168586.

ClinVar aggregate classification (germline): Uncertain significance (1 of 4 stars; one submission).

Conditions:
Dilated cardiomyopathy 1W (CMD1W). Identifiers: Orphanet 154, MedGen C1969639, MONDO:0012667, OMIM 611407.

Submission:

Labcorp Genetics (formerly Invitae), Labcorp
Classification: Uncertain significance for Dilated cardiomyopathy 1W. Last evaluated: 2022-10-25. Review status: criteria provided, single submitter. Criteria: Invitae Variant Classification Sherloc (09022015). Collection method: clinical testing. Allele origin: germline.
Comment: In summary, the available evidence is currently insufficient to determine the role of this variant in disease. Therefore, it has been classified as a Variant of Uncertain Significance. Algorithms developed to predict the effect of sequence changes on RNA splicing suggest that this variant may create or strengthen a splice site. This variant has not been reported in the literature in individuals affected with VCL-related conditions. This variant is not present in population databases (gnomAD no frequency). This sequence change affects codon 249 of the VCL mRNA. It is a 'silent' change, meaning that it does not change the encoded amino acid sequence of the VCL protein.